The following is an entry in ClinVar:

NM_000093.5(COL5A1):c.1387C>T (p.Pro463Ser)

Gene: COL5A1 (collagen type V alpha 1 chain; plus strand). Cytogenetic location: 9q34.3.
Variant type: single nucleotide variant.
Coding change: c.1387C>T on transcript NM_000093.5 (MANE Select); coding-DNA position 1387, C replaced by T.
Protein change: p.Pro463Ser; replaces proline 463 with serine.
Molecular consequence: missense variant.
Genome position (GRCh38, 1-based): chr9:134,732,125, C>T. VCF-style: chr9-134732125-C-T. GRCh37 (hg19) VCF-style: chr9-137623971-C-T.
Other names: c.1387C>T, p.Pro463Ser (NM_001278074.1); short protein forms P463S.
Identifiers: ClinVar variation 1010881 (VCV001010881.15), dbSNP rs368168386, ClinGen allele CA201109171.

ClinVar aggregate classification (germline): Uncertain significance. Review status: criteria provided, multiple submitters, no conflicts (2 of 4 stars). 2 submissions from 2 submitters: Uncertain significance (2). Last evaluated 2025-03-14.

Conditions:
Ehlers-Danlos syndrome, classic type, 1 (EDSCL1). Also called: EHLERS-DANLOS SYNDROME, GRAVIS TYPE; EHLERS-DANLOS SYNDROME, SEVERE CLASSIC TYPE; EDS I; Ehlers-Danlos Syndrome, Classic Type, COL5A1-Related; Ehlers-Danlos syndrome, type 1. Identifiers: MedGen C0268335, MONDO:0019567, OMIM 130000.

gnomAD v4.1: 12 of 1,614,210 alleles (0.00074%); highest among the groups gnomAD compares: Non-Finnish European, 0.001%; no homozygotes.

Submissions (2):

Labcorp Genetics (formerly Invitae), Labcorp
Classification: Uncertain significance for Ehlers-Danlos syndrome, classic type, 1. Last evaluated: 2025-03-14. Review status: criteria provided, single submitter. Criteria: Invitae Variant Classification Sherloc (09022015). Collection method: clinical testing. Allele origin: germline.
Comment: This sequence change replaces proline, which is neutral and non-polar, with serine, which is neutral and polar, at codon 463 of the COL5A1 protein (p.Pro463Ser). This variant is present in population databases (no rsID available, gnomAD 0.0009%). This variant has not been reported in the literature in individuals affected with COL5A1-related conditions. ClinVar contains an entry for this variant (Variation ID: 1010881). An algorithm developed to predict the effect of missense changes on protein structure and function (PolyPhen-2) suggests that this variant is likely to be disruptive. In summary, the available evidence is currently insufficient to determine the role of this variant in disease. Therefore, it has been classified as a Variant of Uncertain Significance.

GeneDx
Classification: Uncertain significance. Last evaluated: 2024-08-26. Review status: criteria provided, single submitter. Criteria: GeneDx Variant Classification Process June 2021. Collection method: clinical testing. Allele origin: germline. Affected: yes.
Comment: Has not been previously published as pathogenic or benign to our knowledge; In silico analysis supports that this missense variant has a deleterious effect on protein structure/function; Not observed at significant frequency in large population cohorts (gnomAD); This variant is associated with the following publications: (PMID: 22696272)